The following is an entry in ClinVar:

NM_001348768.2(HECW2):c.3401A>G (p.Asp1134Gly)

Gene: HECW2 (HECT, C2 and WW domain containing E3 ubiquitin protein ligase 2; minus strand). Cytogenetic location: 2q32.3.
Variant type: single nucleotide variant.
Coding change: c.3401A>G on transcript NM_001348768.2 (MANE Select); coding-DNA position 3401, A replaced by G.
Protein change: p.Asp1134Gly; replaces aspartic acid 1134 with glycine.
Molecular consequence: missense variant.
Genome position (GRCh38, 1-based): chr2:196,257,841, T>C on the plus strand (A>G on the coding strand, the complement: HECW2 is on the minus strand). VCF-style: chr2-196257841-T-C. GRCh37 (hg19) VCF-style: chr2-197122565-T-C.
Other names: c.2333A>G, p.Asp778Gly (NM_001304840.3); c.3401A>G, p.Asp1134Gly (NM_020760.4); short protein forms D1134G, D778G.
Identifiers: ClinVar variation 1326699 (VCV001326699.2), dbSNP rs111318218, ClinGen allele CA2037767.

ClinVar aggregate classification (germline): Uncertain significance (1 of 4 stars; one submission).

Allele frequency attached by ClinVar (database versions not stated): gnomAD exomes below 0.00001; ExAC 0.00001; gnomAD 0.00001 and 0.00003; TOPMed 0.00002.
gnomAD v4.1: 6 of 1,613,612 alleles (0.00037%); highest among the groups gnomAD compares: African/African-American, 0.0053%; 1 homozygote.

Submission:

GeneDx
Classification: Uncertain significance. Last evaluated: 2021-05-24. Review status: criteria provided, single submitter. Criteria: GeneDx Variant Classification Process June 2021. Collection method: clinical testing. Allele origin: germline. Affected: yes.
Comment: In silico analysis supports that this missense variant has a deleterious effect on protein structure/function; Has not been previously published as pathogenic or benign to our knowledge